The following is an entry in ClinVar:

ClinVar aggregate classification (germline): Likely pathogenic (1 of 4 stars; one submission).

Submission:

GeneDx
Classification: Likely pathogenic. Last evaluated: 2022-02-04. Review status: criteria provided, single submitter. Criteria: GeneDx Variant Classification Process June 2021. Collection method: clinical testing. Allele origin: germline. Affected: yes.
Comment: Nonsense variant predicted to result in protein truncation or nonsense mediated decay in a gene for which loss-of-function is a known mechanism of disease; Not observed at significant frequency in large population cohorts (gnomAD); This variant is associated with the following publications: (PMID: 29220607, 31390656)

NM_172240.3(POC1B):c.987C>A (p.Tyr329Ter)

Genes: POC1B (POC1 centriolar protein B; minus strand), POC1B-DUSP6 (POC1B-DUSP6 readthrough; minus strand). Cytogenetic location: 12q21.33.
Variant type: single nucleotide variant.
Coding change: c.987C>A on transcript NM_172240.3 (MANE Select); coding-DNA position 987, C replaced by A.
Protein change: p.Tyr329Ter; replaces tyrosine 329 with a stop codon.
Molecular consequence: nonsense. On other transcripts: non-coding transcript variant (2).
Genome position (GRCh38, 1-based): chr12:89,466,815, G>T on the plus strand (C>A on the coding strand, the complement: POC1B is on the minus strand). VCF-style: chr12-89466815-G-T. GRCh37 (hg19) VCF-style: chr12-89860592-G-T.
Other names: c.861C>A, p.Tyr287Ter (NM_001199777.2); short protein forms Y287*, Y329*.
Identifiers: ClinVar variation 1700457 (VCV001700457.2), dbSNP rs754888145, ClinGen allele CA385993656.